The following is an entry in ClinVar:

NM_000090.4(COL3A1):c.902C>T (p.Pro301Leu)

Gene: COL3A1 (collagen type III alpha 1 chain; plus strand). Cytogenetic location: 2q32.2.
Variant type: single nucleotide variant.
Coding change: c.902C>T on transcript NM_000090.4 (MANE Select); coding-DNA position 902, C replaced by T.
Protein change: p.Pro301Leu; replaces proline 301 with leucine.
Molecular consequence: missense variant.
Genome position (GRCh38, 1-based): chr2:188,991,673, C>T. VCF-style: chr2-188991673-C-T. GRCh37 (hg19) VCF-style: chr2-189856399-C-T.
Other names: short protein forms P301L.
Identifiers: ClinVar variation 629480 (VCV000629480.4), dbSNP rs1273313377, ClinGen allele CA349849976.
Genomic context (GRCh38, chr2:188,991,673, plus strand): 5'-CTGTTCTTACACATGTCAAGATTAGAGTAAAACCATATTTCAATTTTACTCTGTAGGGTC[C>T]AAGAGGGGCTCCTGGTGAGCGAGGACGGCCAGGACTTCCTGGGGCTGCAGTGAGTATAGC-3'
Protein context (NP_000081.2, residues 291-311): GENGAPGPMG[Pro301Leu]RGAPGERGRP

ClinVar aggregate classification (germline): Uncertain significance (1 of 4 stars; one submission).

Conditions:
Familial thoracic aortic aneurysm and aortic dissection (TAAD). Also called: Thoracic aortic aneurysms and dissections. Identifiers: Orphanet 91387, MedGen C4707243, MONDO:0019625.

Submission:

Color Diagnostics, LLC DBA Color Health
Classification: Uncertain significance for Familial thoracic aortic aneurysm and aortic dissection. Last evaluated: 2023-12-05. Review status: criteria provided, single submitter. Criteria: ACMG Guidelines, 2015. Collection method: clinical testing. Allele origin: germline.
Comment: Variant of Uncertain Significance due to insufficient evidence: This missense variant is located in the triple-helical region of the COL3A1 protein. Computational prediction tools and conservation analyses suggest that this variant may have deleterious impact on the protein function. Computational splicing tools suggest that this variant may not impact RNA splicing. To our knowledge, functional assays have not been performed for this variant nor has this variant been reported in individuals affected with cardiovascular disorders in the literature. This variant is rare in the general population and has been identified in 0/277264 chromosomes by the Genome Aggregation Database (gnomAD). Available evidence is insufficient to determine the pathogenicity of this variant conclusively.